The following is an entry in ClinVar:

ClinVar aggregate classification (germline): Uncertain significance (1 of 4 stars; one submission).

Allele frequency attached by ClinVar (database versions not stated): gnomAD 0.00001; TOPMed 0.00001; ExAC 0.00002.

Submission:

Labcorp Genetics (formerly Invitae), Labcorp
Classification: Uncertain significance. Last evaluated: 2026-01-14. Review status: criteria provided, single submitter. Criteria: Invitae Variant Classification Sherloc (09022015). Collection method: clinical testing. Allele origin: germline.
Comment: This sequence change replaces serine, which is neutral and polar, with leucine, which is neutral and non-polar, at codon 343 of the FAM111A protein (p.Ser343Leu). This variant is present in population databases (rs748840540, gnomAD 0.004%). This variant has not been reported in the literature in individuals affected with FAM111A-related conditions. ClinVar contains an entry for this variant (Variation ID: 2139067). Invitae Evidence Modeling of protein sequence and biophysical properties (such as structural, functional, and spatial information, amino acid conservation, physicochemical variation, residue mobility, and thermodynamic stability) indicates that this missense variant is not expected to disrupt FAM111A protein function with a negative predictive value of 80%. In summary, the available evidence is currently insufficient to determine the role of this variant in disease. Therefore, it has been classified as a Variant of Uncertain Significance.

NM_001312909.2(FAM111A):c.1028C>T (p.Ser343Leu)

Genes: FAM111A (FAM111 trypsin like peptidase A; plus strand), LOC130005740 (ATAC-STARR-seq lymphoblastoid active region 4748; plus strand). Cytogenetic location: 11q12.1.
Variant type: single nucleotide variant.
Coding change: c.1028C>T on transcript NM_001312909.2 (MANE Select); coding-DNA position 1028, C replaced by T.
Protein change: p.Ser343Leu; replaces serine 343 with leucine.
Molecular consequence: missense variant.
Genome position (GRCh38, 1-based): chr11:59,152,696, C>T. VCF-style: chr11-59152696-C-T. GRCh37 (hg19) VCF-style: chr11-58920169-C-T.
Other names: c.1028C>T, p.Ser343Leu (NM_001142519.3, NM_001142520.3, NM_001142521.3 and 29 more transcripts); short protein forms S343L.
Identifiers: ClinVar variation 2139067 (VCV002139067.4), dbSNP rs748840540, ClinGen allele CA6016691.